The following is an entry in ClinVar:

NM_001291303.3(FAT4):c.11315A>G (p.His3772Arg)

Gene: FAT4 (FAT atypical cadherin 4; plus strand). Cytogenetic location: 4q28.1.
Variant type: single nucleotide variant.
Coding change: c.11315A>G on transcript NM_001291303.3 (MANE Select); coding-DNA position 11315, A replaced by G.
Protein change: p.His3772Arg; replaces histidine 3772 with arginine.
Molecular consequence: missense variant.
Genome position (GRCh38, 1-based): chr4:125,452,325, A>G. VCF-style: chr4-125452325-A-G. GRCh37 (hg19) VCF-style: chr4-126373480-A-G.
Other names: c.11315A>G, p.His3772Arg (NM_001291285.3); c.11309A>G, p.His3770Arg (NM_024582.6); short protein forms H3772R, H3770R.
Identifiers: ClinVar variation 3513375 (VCV003513375.2).

ClinVar aggregate classification (germline): Uncertain significance. Review status: criteria provided, multiple submitters, no conflicts (2 of 4 stars). 2 submissions from 2 submitters: Uncertain significance (2). Last evaluated 2025-05-12.

Conditions:
Inborn genetic diseases. Identifiers: MedGen C0950123, MeSH D030342.

gnomAD v4.1: 3 of 1,614,230 alleles (0.00019%); highest among the groups gnomAD compares: Non-Finnish European, 0.00025%; no homozygotes.

Submissions (2):

Labcorp Genetics (formerly Invitae), Labcorp
Classification: Uncertain significance. Last evaluated: 2025-05-12. Review status: criteria provided, single submitter. Criteria: Invitae Variant Classification Sherloc (09022015). Collection method: clinical testing. Allele origin: germline.
Comment: This sequence change replaces histidine, which is basic and polar, with arginine, which is basic and polar, at codon 3770 of the FAT4 protein (p.His3770Arg). This variant is present in population databases (no rsID available, gnomAD 0.0009%). This variant has not been reported in the literature in individuals affected with FAT4-related conditions. ClinVar contains an entry for this variant (Variation ID: 3513375). Invitae Evidence Modeling of protein sequence and biophysical properties (such as structural, functional, and spatial information, amino acid conservation, physicochemical variation, residue mobility, and thermodynamic stability) indicates that this missense variant is not expected to disrupt FAT4 protein function with a negative predictive value of 95%. In summary, the available evidence is currently insufficient to determine the role of this variant in disease. Therefore, it has been classified as a Variant of Uncertain Significance.

Ambry Genetics
Classification: Uncertain significance for Inborn genetic diseases. Last evaluated: 2024-08-10. Review status: criteria provided, single submitter. Criteria: Ambry Variant Classification Scheme 2023. Collection method: clinical testing. Allele origin: germline.